The following is an entry in ClinVar:

NM_022350.5(ERAP2):c.1232T>G (p.Leu411Arg)

Genes: ERAP1 (endoplasmic reticulum aminopeptidase 1; minus strand), ERAP2 (endoplasmic reticulum aminopeptidase 2; plus strand). Cytogenetic location: 5q15.
Variant type: single nucleotide variant.
Coding change: c.1232T>G on transcript NM_022350.5 (MANE Select); coding-DNA position 1232, T replaced by G.
Protein change: p.Leu411Arg; replaces leucine 411 with arginine.
Molecular consequence: missense variant.
Genome position (GRCh38, 1-based): chr5:96,895,352, T>G. VCF-style: chr5-96895352-T-G. GRCh37 (hg19) VCF-style: chr5-96231056-T-G.
Other names: c.1232T>G, p.Leu411Arg (NM_001130140.3); c.1097T>G, p.Leu366Arg (NM_001329229.2); short protein forms L411R, L366R.
Identifiers: ClinVar variation 198587 (VCV000198587.30), dbSNP rs34261036, ClinGen allele CA203510.

ClinVar aggregate classification (germline): Benign/Likely benign. Review status: criteria provided, multiple submitters, no conflicts (2 of 4 stars). 3 submissions from 3 submitters: Benign (1); Likely benign (2). Last evaluated 2025-08-18.

Allele frequency attached by ClinVar (database versions not stated): 1000 Genomes Project 30x 0.00250; 1000 Genomes Project 0.00260; gnomAD 0.00328 and 0.00337; ESP Exome Variant Server 0.00346; TOPMed 0.00352; gnomAD exomes 0.00383.
gnomAD v4.1: 6,116 of 1,603,844 alleles (0.38%); highest among the groups gnomAD compares: Middle Eastern, 2.1%; 22 homozygotes.

Submissions (3):

Genomic Medicine Center of Excellence, King Faisal Specialist Hospital and Research Centre
Classification: Likely benign. Last evaluated: 2025-08-18. Review status: criteria provided, single submitter. Criteria: ACMG Guidelines, 2015. Collection method: clinical testing. Allele origin: germline.

CeGaT Center for Human Genetics Tuebingen
Classification: Likely benign. Last evaluated: 2023-08-01. Review status: criteria provided, single submitter. Criteria: CeGaT Center For Human Genetics Tuebingen Variant Classification Criteria Version 2. Collection method: clinical testing. Allele origin: germline. Affected: yes. Observed: 2 variant alleles.
Comment: ERAP2: BS2

Eurofins Ntd Llc (ga)
Classification: Benign. Last evaluated: 2015-02-15. Review status: criteria provided, single submitter. Criteria: EGL Classification Definitions 2015. Collection method: clinical testing. Allele origin: germline. Observed: 1 variant allele, 1 heterozygote.